The following is an entry in ClinVar:

ClinVar aggregate classification (germline): Likely benign. Review status: criteria provided, single submitter (1 of 4 stars). 2 submissions from 2 submitters: Likely benign (1). 1 of the submissions does not count toward it. Last evaluated 2024-11-06.

Conditions:
Primary ciliary dyskinesia 5. Also called: CILIARY DYSKINESIA, PRIMARY, 5, WITHOUT SITUS INVERSUS. Identifiers: Orphanet 244, MedGen C1837615, MONDO:0012088, OMIM 608647.

Allele frequency attached by ClinVar (database versions not stated): gnomAD exomes 0.00007 and 0.00021; ExAC 0.00057; ESP Exome Variant Server 0.00086; gnomAD 0.00088 and 0.00089; TOPMed 0.00106; 1000 Genomes Project 0.00200; 1000 Genomes Project 30x 0.00203.
gnomAD v4.1: 247 of 1,607,562 alleles (0.015%); highest among the groups gnomAD compares: African/African-American, 0.3%; 2 homozygotes.

Submissions (2):

Blueprint Genetics
Classification: Likely benign. Last evaluated: 2024-11-06. Review status: criteria provided, single submitter. Criteria: ACMG Guidelines, 2015. Collection method: clinical testing. Allele origin: germline.

Lupski Lab, Baylor-Hopkins CMG, Baylor College of Medicine
Classification: Uncertain significance for Primary ciliary dyskinesia 5. Last evaluated: 2018-05-28. Review status: no assertion criteria provided. Collection method: research. Allele origin: germline. Affected: yes. Observed: 1 variant allele. Not counted in ClinVar's aggregate classification.

NM_001270974.2(HYDIN):c.12586A>G (p.Lys4196Glu)

Gene: HYDIN (HYDIN axonemal central pair apparatus protein; minus strand). Cytogenetic location: 16q22.2.
Variant type: single nucleotide variant.
Coding change: c.12586A>G on transcript NM_001270974.2 (MANE Select); coding-DNA position 12586, A replaced by G.
Protein change: p.Lys4196Glu; replaces lysine 4196 with glutamic acid.
Molecular consequence: missense variant.
Genome position (GRCh38, 1-based): chr16:70,850,513, T>C on the plus strand (A>G on the coding strand, the complement: HYDIN is on the minus strand). VCF-style: chr16-70850513-T-C. GRCh37 (hg19) VCF-style: chr16-70884416-T-C.
Other names: short protein forms K4196E.
Identifiers: ClinVar variation 545549 (VCV000545549.3), dbSNP rs374224023, ClinGen allele CA8148741.
Genomic context (GRCh38, chr16:70,850,513, plus strand): 5'-AGAAGTTGATGATGTTAGTCTGGTTGGGAGTCAACAGAGTGATGGAGCCTGTCCTGTCCT[T>C]GCACTTGATCTCCACATTCATAGTGTAGCCCTCGGCCTTGACATTTAATGTCACAGGGTG-3'
Protein context (NP_001257903.1, residues 4186-4206): GYTMNVEIKC[Lys4196Glu]DRTGSITLLT